The following is an entry in ClinVar:

NM_020778.5(ALPK3):c.757G>C (p.Gly253Arg)

Gene: ALPK3 (alpha kinase 3; plus strand). Cytogenetic location: 15q25.3.
Variant type: single nucleotide variant.
Coding change: c.757G>C on transcript NM_020778.5 (MANE Select); coding-DNA position 757, G replaced by C.
Protein change: p.Gly253Arg; replaces glycine 253 with arginine.
Molecular consequence: missense variant.
Genome position (GRCh38, 1-based): chr15:84,840,036, G>C. VCF-style: chr15-84840036-G-C. GRCh37 (hg19) VCF-style: chr15-85383267-G-C.
Other names: short protein forms G253R.
Identifiers: ClinVar variation 2101479 (VCV002101479.4), dbSNP rs147146428, ClinGen allele CA393373442.
Genomic context (GRCh38, chr15:84,840,036, plus strand): 5'-CCGGGCCCCTCGGTCCCTACCAGGGAGCCTGAGGGTGGGACCCTGGCGGCTTGGCAGGAG[G>C]GAGAGACTGAGACTGCTCAGCACTCAGGTTTGGGCCTGATCAACAGTTTTGCTTCTGGAG-3'
Protein context (NP_065829.4, residues 243-263): EGGTLAAWQE[Gly253Arg]ETETAQHSGL

ClinVar aggregate classification (germline): Uncertain significance (1 of 4 stars; one submission).

Submission:

Labcorp Genetics (formerly Invitae), Labcorp
Classification: Uncertain significance. Last evaluated: 2022-03-01. Review status: criteria provided, single submitter. Criteria: Invitae Variant Classification Sherloc (09022015). Collection method: clinical testing. Allele origin: germline.
Comment: This sequence change replaces glycine, which is neutral and non-polar, with arginine, which is basic and polar, at codon 455 of the ALPK3 protein (p.Gly455Arg). This variant is not present in population databases (gnomAD no frequency). In summary, the available evidence is currently insufficient to determine the role of this variant in disease. Therefore, it has been classified as a Variant of Uncertain Significance. Algorithms developed to predict the effect of missense changes on protein structure and function output the following: SIFT: "Tolerated"; PolyPhen-2: "Benign"; Align-GVGD: "Class C0". The arginine amino acid residue is found in multiple mammalian species, which suggests that this missense change does not adversely affect protein function. This variant has not been reported in the literature in individuals affected with ALPK3-related conditions.